The following is an entry in ClinVar:

NM_001005242.3(PKP2):c.602G>A (p.Gly201Glu)

Gene: PKP2 (plakophilin 2; minus strand). Cytogenetic location: 12p11.21.
Variant type: single nucleotide variant.
Coding change: c.602G>A on transcript NM_001005242.3 (MANE Select); coding-DNA position 602, G replaced by A.
Protein change: p.Gly201Glu; replaces glycine 201 with glutamic acid.
Molecular consequence: missense variant.
Genome position (GRCh38, 1-based): chr12:32,878,278, C>T on the plus strand (G>A on the coding strand, the complement: PKP2 is on the minus strand). VCF-style: chr12-32878278-C-T. GRCh37 (hg19) VCF-style: chr12-33031212-C-T.
Other names: c.602G>A, p.Gly201Glu (NM_004572.4); short protein forms G201E.
Identifiers: ClinVar variation 921414 (VCV000921414.7), dbSNP rs757316313, ClinGen allele CA038160.

ClinVar aggregate classification (germline): Uncertain significance. Review status: criteria provided, multiple submitters, no conflicts (2 of 4 stars). 2 submissions from 2 submitters: Uncertain significance (2). Last evaluated 2025-05-14.

Conditions:
Cardiomyopathy (CMYO). Also called: Cardiomyopathies. Identifiers: Orphanet 167848, MedGen C0878544, MONDO:0004994, HP:0001638. Inheritance: Various modes of inheritance.
Arrhythmogenic right ventricular dysplasia 9 (ARVD9). Also called: ARRHYTHMOGENIC RIGHT VENTRICULAR DYSPLASIA, FAMILIAL, 9; Arrhythmogenic Right Ventricular Dysplasia/Cardiomyopathy 9. Identifiers: MedGen C1836906, MONDO:0012180, OMIM 609040.

Allele frequency attached by ClinVar (database versions not stated): gnomAD exomes below 0.00001 and 0.00002; TOPMed 0.00001; gnomAD 0.00001; ExAC 0.00002.

Submissions (2):

Labcorp Genetics (formerly Invitae), Labcorp
Classification: Uncertain significance for Arrhythmogenic right ventricular dysplasia 9. Last evaluated: 2025-05-14. Review status: criteria provided, single submitter. Criteria: Invitae Variant Classification Sherloc (09022015). Collection method: clinical testing. Allele origin: germline.
Comment: This sequence change replaces glycine, which is neutral and non-polar, with glutamic acid, which is acidic and polar, at codon 201 of the PKP2 protein (p.Gly201Glu). This variant is present in population databases (rs757316313, gnomAD 0.004%). This variant has not been reported in the literature in individuals affected with PKP2-related conditions. ClinVar contains an entry for this variant (Variation ID: 921414). An algorithm developed to predict the effect of missense changes on protein structure and function outputs the following: PolyPhen-2: "Benign". The glutamic acid amino acid residue is found in multiple mammalian species, which suggests that this missense change does not adversely affect protein function. In summary, the available evidence is currently insufficient to determine the role of this variant in disease. Therefore, it has been classified as a Variant of Uncertain Significance.

Color Diagnostics, LLC DBA Color Health
Classification: Uncertain significance for Cardiomyopathy. Last evaluated: 2024-03-06. Review status: criteria provided, single submitter. Criteria: ACMG Guidelines, 2015. Collection method: clinical testing. Allele origin: germline.
Comment: This missense variant replaces glycine with glutamic acid at codon 201 of the PKP2 protein. Computational prediction suggests that this variant may not impact protein structure and function (internally defined REVEL score threshold <= 0.5, PMID: 27666373). To our knowledge, functional studies have not been reported for this variant. This variant has not been reported in individuals affected with cardiovascular disorders in the literature. This variant has been identified in 4/251366 chromosomes in the general population by the Genome Aggregation Database (gnomAD). The available evidence is insufficient to determine the role of this variant in disease conclusively. Therefore, this variant is classified as a Variant of Uncertain Significance.